The following is an entry in ClinVar:

NM_001035235.4(SRA1):c.230C>T (p.Pro77Leu)

Gene: SRA1 (steroid receptor RNA activator 1; minus strand). Cytogenetic location: 5q31.3.
Variant type: single nucleotide variant.
Coding change: c.230C>T on transcript NM_001035235.4 (MANE Select); coding-DNA position 230, C replaced by T.
Protein change: p.Pro77Leu; replaces proline 77 with leucine.
Molecular consequence: missense variant. On other transcripts: non-coding transcript variant (2), intron variant (1).
Genome position (GRCh38, 1-based): chr5:140,552,106, G>A on the plus strand (C>T on the coding strand, the complement: SRA1 is on the minus strand). VCF-style: chr5-140552106-G-A. GRCh37 (hg19) VCF-style: chr5-139931691-G-A.
Other names: c.307-937C>T (NM_001253764.2); c.266C>T (NM_001035235.3); short protein forms P77L.
Identifiers: ClinVar variation 1549469 (VCV001549469.10), dbSNP rs148259347, ClinGen allele CA3440634.

ClinVar aggregate classification (germline): Likely benign. Review status: criteria provided, single submitter (1 of 4 stars). 2 submissions from 2 submitters: Likely benign (1). 1 of the submissions does not count toward it. Last evaluated 2025-10-01.

Conditions:
SRA1-related disorder. Also called: SRA1-related condition.

Allele frequency attached by ClinVar (database versions not stated): gnomAD 0.00049 and 0.00052; gnomAD exomes 0.00052 and 0.00083; ExAC 0.00054; TOPMed 0.00060; ESP Exome Variant Server 0.00062; 1000 Genomes Project 0.00080; 1000 Genomes Project 30x 0.00094.
gnomAD v4.1: 1,296 of 1,613,438 alleles (0.08%); highest among the groups gnomAD compares: Non-Finnish European, 0.097%; no homozygotes.

Submissions (2):

Labcorp Genetics (formerly Invitae), Labcorp
Classification: Likely benign. Last evaluated: 2025-10-01. Review status: criteria provided, single submitter. Criteria: Invitae Variant Classification Sherloc (09022015). Collection method: clinical testing. Allele origin: germline.

PreventionGenetics, part of Exact Sciences
Classification: Likely benign for SRA1-related condition. Last evaluated: 2022-04-01. Review status: no assertion criteria provided. Collection method: clinical testing. Allele origin: germline. Not counted in ClinVar's aggregate classification.
Comment: This variant is classified as likely benign based on ACMG/AMP sequence variant interpretation guidelines (Richards et al. 2015 PMID: 25741868, with internal and published modifications).